The following is an entry in ClinVar:

ClinVar aggregate classification (germline): Uncertain significance (1 of 4 stars; one submission).

Conditions:
MAP1B-related disorder. Also called: MAP1B-related condition.

Submission:

PreventionGenetics, part of Exact Sciences
Classification: Uncertain significance for MAP1B-related condition. Last evaluated: 2024-11-19. Review status: criteria provided, single submitter. Criteria: ACMG Guidelines, 2015. Collection method: clinical testing. Allele origin: germline.
Comment: The MAP1B c.1787C>T variant is predicted to result in the amino acid substitution p.Thr596Ile. To our knowledge, this variant has not been reported in the literature or in a large population database (gnomAD), indicating this variant is rare. At this time, the clinical significance of this variant is uncertain due to the absence of conclusive functional and genetic evidence.

NM_005909.5(MAP1B):c.1787C>T (p.Thr596Ile)

Gene: MAP1B (microtubule associated protein 1B; plus strand). Cytogenetic location: 5q13.2.
Variant type: single nucleotide variant.
Coding change: c.1787C>T on transcript NM_005909.5 (MANE Select); coding-DNA position 1787, C replaced by T.
Protein change: p.Thr596Ile; replaces threonine 596 with isoleucine.
Molecular consequence: missense variant.
Genome position (GRCh38, 1-based): chr5:72,195,142, C>T. VCF-style: chr5-72195142-C-T. GRCh37 (hg19) VCF-style: chr5-71490969-C-T.
Other names: c.1409C>T, p.Thr470Ile (NM_001324255.2); short protein forms T470I, T596I.
Identifiers: ClinVar variation 2635150 (VCV002635150.2), dbSNP rs1580020679, ClinGen allele CA360001185.
Genomic context (GRCh38, chr5:72,195,142, plus strand): 5'-AGCCACCCAAAGTTGAAAGCAAAGAAAAGGTAATGGTGAAAAAAGACAAGCCAATAAAAA[C>T]AGAGACCAAACCTTCAGTGACTGAAAAGGAGGTTCCCAGCAAAGAAGAGCCATCTCCAGT-3'
Protein context (NP_005900.2, residues 586-606): VMVKKDKPIK[Thr596Ile]ETKPSVTEKE